The following is an entry in ClinVar:

ClinVar aggregate classification (germline): Uncertain significance (1 of 4 stars; one submission).

Conditions:
Fetal akinesia deformation sequence 1 (FADS1). Also called: Fetal akinesia sequence; Pena-Shokeir syndrome type I. Identifiers: Orphanet 994, MedGen C1276035, MONDO:0100101, OMIM 208150, HP:0001989.
Congenital myasthenic syndrome 10. Also called: Myasthenia, limb-girdle, familial. Identifiers: Orphanet 590, MedGen C1850792, MONDO:0009690, OMIM 254300.

Allele frequency attached by ClinVar (database versions not stated): TOPMed 0.00001; gnomAD exomes 0.00005.
gnomAD v4.1: 69 of 1,509,416 alleles (0.0046%); highest among the groups gnomAD compares: Non-Finnish European, 0.006%; no homozygotes.

Submission:

Labcorp Genetics (formerly Invitae), Labcorp
Classification: Uncertain significance for Congenital myasthenic syndrome 10; Fetal akinesia deformation sequence 1. Last evaluated: 2022-08-19. Review status: criteria provided, single submitter. Criteria: Invitae Variant Classification Sherloc (09022015). Collection method: clinical testing. Allele origin: germline.
Comment: This sequence change replaces proline, which is neutral and non-polar, with alanine, which is neutral and non-polar, at codon 29 of the DOK7 protein (p.Pro29Ala). This variant is present in population databases (no rsID available, gnomAD 0.003%). This variant has not been reported in the literature in individuals affected with DOK7-related conditions. Algorithms developed to predict the effect of missense changes on protein structure and function are either unavailable or do not agree on the potential impact of this missense change (SIFT: "Deleterious"; PolyPhen-2: "Benign"; Align-GVGD: "Class C0"). In summary, the available evidence is currently insufficient to determine the role of this variant in disease. Therefore, it has been classified as a Variant of Uncertain Significance.

NM_173660.5(DOK7):c.85C>G (p.Pro29Ala)

Gene: DOK7 (docking protein 7; plus strand). Cytogenetic location: 4p16.3.
Variant type: single nucleotide variant.
Coding change: c.85C>G on transcript NM_173660.5 (MANE Select); coding-DNA position 85, C replaced by G.
Protein change: p.Pro29Ala; replaces proline 29 with alanine.
Molecular consequence: missense variant.
Genome position (GRCh38, 1-based): chr4:3,463,536, C>G. VCF-style: chr4-3463536-C-G. GRCh37 (hg19) VCF-style: chr4-3465263-C-G.
Other names: c.85C>G, p.Pro29Ala (NM_001164673.2, NM_001301071.2, NM_001363811.2); short protein forms P29A.
Identifiers: ClinVar variation 1925847 (VCV001925847.2), dbSNP rs902383987, ClinGen allele CA91514742.
Genomic context (GRCh38, chr4:3,463,536, plus strand): 5'-GGCGGCTCACGCTCCCCCCTGTCCCCGCAGTGGAAGAGTAGGTGGCTGGTGCTGCGGAAG[C>G]CGTCGCCCGTGGCAGGTGAGCGGGGCGGGCGGGGGACGGGGGGCGCGGGGGTAGCGACAC-3'
Protein context (NP_775931.3, residues 19-39): WKSRWLVLRK[Pro29Ala]SPVADCLLML